The following is an entry in ClinVar:

ClinVar aggregate classification (germline): Uncertain significance (1 of 4 stars; one submission).

gnomAD v4.1: 43 of 1,614,072 alleles (0.0027%); highest among the groups gnomAD compares: Non-Finnish European, 0.0034%; no homozygotes.

Submission:

Labcorp Genetics (formerly Invitae), Labcorp
Classification: Uncertain significance. Last evaluated: 2024-05-19. Review status: criteria provided, single submitter. Criteria: Invitae Variant Classification Sherloc (09022015). Collection method: clinical testing. Allele origin: germline.
Comment: This sequence change replaces arginine, which is basic and polar, with histidine, which is basic and polar, at codon 410 of the BRD4 protein (p.Arg410His). This variant is present in population databases (rs199679781, gnomAD 0.002%). This variant has not been reported in the literature in individuals affected with BRD4-related conditions. Advanced modeling of protein sequence and biophysical properties (such as structural, functional, and spatial information, amino acid conservation, physicochemical variation, residue mobility, and thermodynamic stability) performed at Invitae indicates that this missense variant is not expected to disrupt BRD4 protein function with a negative predictive value of 80%. In summary, the available evidence is currently insufficient to determine the role of this variant in disease. Therefore, it has been classified as a Variant of Uncertain Significance.

NM_001379291.1(BRD4):c.1229G>A (p.Arg410His)

Gene: BRD4 (bromodomain containing 4; minus strand). Cytogenetic location: 19p13.12.
Variant type: single nucleotide variant.
Coding change: c.1229G>A on transcript NM_001379291.1 (MANE Select); coding-DNA position 1229, G replaced by A.
Protein change: p.Arg410His; replaces arginine 410 with histidine.
Molecular consequence: missense variant.
Genome position (GRCh38, 1-based): chr19:15,263,532, C>T on the plus strand (G>A on the coding strand, the complement: BRD4 is on the minus strand). VCF-style: chr19-15263532-C-T. GRCh37 (hg19) VCF-style: chr19-15374343-C-T.
Other names: c.1229G>A, p.Arg410His (NM_014299.3, NM_058243.3, NM_001330384.2 and 1 more transcripts); short protein forms R410H.
Identifiers: ClinVar variation 3698697 (VCV003698697.2).